The following is an entry in ClinVar:

NM_133433.4(NIPBL):c.616G>A (p.Val206Ile)

Gene: NIPBL (NIPBL cohesin loading factor; plus strand). Cytogenetic location: 5p13.2.
Variant type: single nucleotide variant.
Coding change: c.616G>A on transcript NM_133433.4 (MANE Select); coding-DNA position 616, G replaced by A.
Protein change: p.Val206Ile; replaces valine 206 with isoleucine.
Molecular consequence: missense variant.
Genome position (GRCh38, 1-based): chr5:36,970,881, G>A. VCF-style: chr5-36970881-G-A. GRCh37 (hg19) VCF-style: chr5-36970983-G-A.
Other names: c.616G>A, p.Val206Ile (NM_015384.5); short protein forms V206I.
Identifiers: ClinVar variation 1972713 (VCV001972713.5), dbSNP rs772863009, ClinGen allele CA3235893.

ClinVar aggregate classification (germline): Uncertain significance (1 of 4 stars; one submission).

Conditions:
Cornelia de Lange syndrome 1 (CDLS1). Also called: NIPBL-Related Cornelia de Lange Syndrome; TYPUS DEGENERATIVUS AMSTELODAMENSIS; Brachmann de Lange syndrome. Identifiers: Orphanet 199, MedGen C4551851, MONDO:0007387, OMIM 122470.

Allele frequency attached by ClinVar (database versions not stated): TOPMed below 0.00001; ExAC 0.00001; gnomAD exomes 0.00001.

Submission:

Labcorp Genetics (formerly Invitae), Labcorp
Classification: Uncertain significance for Cornelia de Lange syndrome 1. Last evaluated: 2022-07-19. Review status: criteria provided, single submitter. Criteria: Invitae Variant Classification Sherloc (09022015). Collection method: clinical testing. Allele origin: germline.
Comment: This sequence change replaces valine, which is neutral and non-polar, with isoleucine, which is neutral and non-polar, at codon 206 of the NIPBL protein (p.Val206Ile). This variant is present in population databases (rs772863009, gnomAD 0.0009%). This variant has not been reported in the literature in individuals affected with NIPBL-related conditions. Algorithms developed to predict the effect of missense changes on protein structure and function are either unavailable or do not agree on the potential impact of this missense change (SIFT: "Deleterious"; PolyPhen-2: "Benign"; Align-GVGD: "Class C0"). In summary, the available evidence is currently insufficient to determine the role of this variant in disease. Therefore, it has been classified as a Variant of Uncertain Significance.